The following is an entry in ClinVar:

NM_001267550.2(TTN):c.104221A>G (p.Thr34741Ala)

Genes: TTN-AS1 (TTN antisense RNA 1; plus strand), TTN (titin; minus strand). Cytogenetic location: 2q31.2.
Variant type: single nucleotide variant.
Coding change: c.104221A>G on transcript NM_001267550.2 (MANE Select); coding-DNA position 104221, A replaced by G.
Protein change: p.Thr34741Ala; replaces threonine 34741 with alanine.
Molecular consequence: missense variant.
Genome position (GRCh38, 1-based): chr2:178,532,394, T>C on the plus strand (A>G on the coding strand, the complement: TTN is on the minus strand). VCF-style: chr2-178532394-T-C. GRCh37 (hg19) VCF-style: chr2-179397121-T-C.
Other names: c.99298A>G, p.Thr33100Ala (NM_001256850.1); c.77026A>G, p.Thr25676Ala (NM_003319.4); c.96517A>G, p.Thr32173Ala (NM_133378.4); c.77401A>G, p.Thr25801Ala (NM_133432.3); c.77602A>G, p.Thr25868Ala (NM_133437.4); short protein forms T25676A, T25801A, T25868A, T32173A, T33100A, T34741A.
Identifiers: ClinVar variation 1064031 (VCV001064031.7), dbSNP rs2154134261, ClinGen allele CA349412213.

ClinVar aggregate classification (germline): Uncertain significance (1 of 4 stars; one submission).

Conditions:
Dilated cardiomyopathy 1G (CMD1G). Identifiers: Orphanet 154, MedGen C1858763, MONDO:0011400, OMIM 604145.
Autosomal recessive limb-girdle muscular dystrophy type 2J (LGMDR10). Also called: Limb-girdle muscular dystrophy, type 2J; MUSCULAR DYSTROPHY, LIMB-GIRDLE, AUTOSOMAL RECESSIVE 10. Identifiers: Orphanet 140922, MedGen C1837342, MONDO:0012127, OMIM 608807.

Submission:

Labcorp Genetics (formerly Invitae), Labcorp
Classification: Uncertain significance for Dilated cardiomyopathy 1G; Autosomal recessive limb-girdle muscular dystrophy type 2J. Last evaluated: 2020-05-20. Review status: criteria provided, single submitter. Criteria: Invitae Variant Classification Sherloc (09022015). Collection method: clinical testing. Allele origin: germline.
Comment: Algorithms developed to predict the effect of missense changes on protein structure and function are unavailable for the TTN gene. This variant is located in the M band of TTN (PMID: 25589632). Variants in this region may be relevant for neuromuscular disorders, but have not been definitively shown to cause cardiomyopathy (PMID: 23975875). In summary, the available evidence is currently insufficient to determine the role of this variant in disease. Therefore, it has been classified as a Variant of Uncertain Significance. This variant has not been reported in the literature in individuals with TTN-related conditions. This variant is not present in population databases (ExAC no frequency). This sequence change replaces threonine with alanine at codon 34741 of the TTN protein (p.Thr34741Ala). There is a small physicochemical difference between threonine and alanine.

Literature cited by the submitters: PubMed 25589632; PubMed 23975875.